The following is an entry in ClinVar:

ClinVar aggregate classification (germline): Uncertain significance. Review status: criteria provided, multiple submitters, no conflicts (2 of 4 stars). 3 submissions from 3 submitters: Uncertain significance (3). Last evaluated 2025-10-01.

Conditions:
Tuberous sclerosis 2 (TSC2). Identifiers: Orphanet 805, MedGen C1860707, MONDO:0013199, OMIM 613254.
Tuberous sclerosis syndrome (TSC). Also called: Tuberous Sclerosis Complex; Tuberous sclerosis. Identifiers: Orphanet 805, MedGen C0041341, MONDO:0001734.

Submissions (3):

Cambridge Genomics Laboratory, East Genomic Laboratory Hub, NHS Genomic Medicine Service
Classification: Uncertain significance for Tuberous sclerosis. Last evaluated: 2025-10-01. Review status: criteria provided, single submitter. Criteria: ACGS Best Practice Guidelines for Variant Classification in Rare Disease 2020. Collection method: clinical testing. Allele origin: germline. Affected: yes.
Comment: PM2,PM4

Labcorp Genetics (formerly Invitae), Labcorp
Classification: Uncertain significance for Tuberous sclerosis 2. Last evaluated: 2024-10-05. Review status: criteria provided, single submitter. Criteria: Invitae Variant Classification Sherloc (09022015). Collection method: clinical testing. Allele origin: germline.
Comment: This variant, c.1461_1472del, results in the deletion of 4 amino acid(s) of the TSC2 protein (p.Val488_Ser491del), but otherwise preserves the integrity of the reading frame. This variant is not present in population databases (gnomAD no frequency). This variant has not been reported in the literature in individuals affected with TSC2-related conditions. Experimental studies and prediction algorithms are not available or were not evaluated, and the functional significance of this variant is currently unknown. In summary, the available evidence is currently insufficient to determine the role of this variant in disease. Therefore, it has been classified as a Variant of Uncertain Significance.

GeneDx
Classification: Uncertain significance. Last evaluated: 2024-09-15. Review status: criteria provided, single submitter. Criteria: GeneDx Variant Classification Process June 2021. Collection method: clinical testing. Allele origin: germline. Affected: yes.
Comment: In-frame deletion of 4 amino acids in a non-repeat region; Not observed at significant frequency in large population cohorts (gnomAD); In silico analysis supports a deleterious effect on protein structure/function; Has not been previously published as pathogenic or benign to our knowledge

NM_000548.5(TSC2):c.1461_1472del (p.Val488_Ser491del)

Gene: TSC2 (TSC complex subunit 2; plus strand). Cytogenetic location: 16p13.3.
Variant type: Deletion.
Coding change: c.1461_1472del on transcript NM_000548.5 (MANE Select); coding-DNA positions 1461 to 1472, 12 bases deleted (AGTGGTCATCTC).
Protein change: p.Val488_Ser491del.
Molecular consequence: inframe indel (on NM_000548.3). On other transcripts: 5 prime UTR variant (1), non-coding transcript variant (5).
Genome position (GRCh38, 1-based): chr16:2,064,289-2,064,300, AGTGGTCATCTC deleted; deleting any 12 consecutive bases within chr16:2,064,286-2,064,300 gives the same sequence; the c. name uses the placement nearest the transcript's 3' end. VCF-style (leftmost placement, unchanged base first): chr16-2064285-ACTCAGTGGTCAT-A. GRCh37 (hg19) VCF-style: chr16-2114286-ACTCAGTGGTCAT-A.
Other names: c.1461_1472del (NM_000548.3); c.1461_1472delAGTGGTCATCTC, p.Val488_Ser491del (NM_000548.3); c.1461_1472del, p.Val488_Ser491del (NM_001077183.3, NM_001114382.3, NM_001363528.2 and 6 more transcripts); c.1350_1361del, p.Val451_Ser454del (NM_001318827.2, NM_001406670.1, NM_001406678.1); c.1314_1325del, p.Val439_Ser442del (NM_001318829.2, NM_001406675.1, NM_001406676.1 and 1 more transcripts); c.861_872del, p.Val288_Ser291del (NM_001318831.2, NM_001406680.1, NM_001406682.1 and 6 more transcripts); c.1494_1505del, p.Val499_Ser502del (NM_001318832.2); c.1551_1562del, p.Val518_Ser521del (NM_001406667.1, NM_001406668.1); and 5 more.
Identifiers: ClinVar variation 3722238 (VCV003722238.4).